The following is an entry in ClinVar:

ClinVar aggregate classification (germline): Uncertain significance (1 of 4 stars; one submission).

Submission:

Labcorp Genetics (formerly Invitae), Labcorp
Classification: Uncertain significance. Last evaluated: 2023-04-20. Review status: criteria provided, single submitter. Criteria: Invitae Variant Classification Sherloc (09022015). Collection method: clinical testing. Allele origin: germline.
Comment: In summary, the available evidence is currently insufficient to determine the role of this variant in disease. Therefore, it has been classified as a Variant of Uncertain Significance. Advanced modeling of protein sequence and biophysical properties (such as structural, functional, and spatial information, amino acid conservation, physicochemical variation, residue mobility, and thermodynamic stability) performed at Invitae indicates that this missense variant is not expected to disrupt POLE protein function. This variant has not been reported in the literature in individuals affected with POLE-related conditions. This variant is not present in population databases (gnomAD no frequency). This sequence change replaces lysine, which is basic and polar, with glutamine, which is neutral and polar, at codon 1926 of the POLE protein (p.Lys1926Gln).

NM_006231.4(POLE):c.5776A>C (p.Lys1926Gln)

Gene: POLE (DNA polymerase epsilon, catalytic subunit; minus strand). Cytogenetic location: 12q24.33.
Variant type: single nucleotide variant.
Coding change: c.5776A>C on transcript NM_006231.4 (MANE Select); coding-DNA position 5776, A replaced by C.
Protein change: p.Lys1926Gln; replaces lysine 1926 with glutamine.
Molecular consequence: missense variant.
Genome position (GRCh38, 1-based): chr12:132,635,927, T>G on the plus strand (A>C on the coding strand, the complement: POLE is on the minus strand). VCF-style: chr12-132635927-T-G. GRCh37 (hg19) VCF-style: chr12-133212513-T-G.
Other names: short protein forms K1926Q.
Identifiers: ClinVar variation 2851290 (VCV002851290.3), dbSNP rs781099396, ClinGen allele CA387372853.
Genomic context (GRCh38, chr12:132,635,927, plus strand): 5'-GGGTGCCACACTGCAGCTCGCTTACCAGTCCACAGTGAATACGAGATGAAACTTTTCCTT[T>G]GATTCCGCCATAGTTAGATGGATCCATCCAGAGAAGAAATTCCCAGCATCGAGAGAAAGA-3'
Protein context (NP_006222.2, residues 1916-1936): WMDPSNYGGI[Lys1926Gln]GKVSSRIHCG